The following is an entry in ClinVar:

ClinVar aggregate classification (germline): Uncertain significance. Review status: criteria provided, multiple submitters, no conflicts (2 of 4 stars). 2 submissions from 2 submitters: Uncertain significance (2). Last evaluated 2024-11-25.

Conditions:
Intellectual disability-hypotonic facies syndrome, X-linked, 1 (MRXHF1). Also called: XLMR-HYPOTONIC FACIES SYNDROME; Smith Fineman Myers syndrome 1; X-linked intellectual disability-hypotonic face syndrome; CHUDLEY-LOWRY SYNDROME; Chudley syndrome 1; Chudley-Lowry-Hoar syndrome. Identifiers: Orphanet 73220, Orphanet 93970, Orphanet 93971, Orphanet 93972, Orphanet 93973, Orphanet 93974, Orphanet 93975, MedGen C4759781, MONDO:0010663, OMIM 309580.
Alpha thalassemia-X-linked intellectual disability syndrome (ATRX). Also called: ALPHA-THALASSEMIA/MENTAL RETARDATION SYNDROME, X-LINKED; ATR, NONDELETION TYPE; ATR-X syndrome; Alpha thalassemia mental retardation syndrome, nondeletion type, X-linked; XLMR hypotonic face syndrome; X-linked alpha-thalassemia-mental retardation syndrome. Identifiers: Orphanet 847, MedGen C1845055, MONDO:0010519, OMIM 301040.
Acquired hemoglobin H disease (ATMDS). Also called: Alpha-thalassemia myelodysplasia syndrome; Alpha-thalassemia myelodysplasia syndrome, somatic; Alpha-thalassemia-myelodysplastic syndrome. Identifiers: Orphanet 231401, MedGen C0585216, MONDO:0010328, OMIM 300448.

Submissions (2):

3billion
Classification: Uncertain significance for Intellectual disability-hypotonic facies syndrome, X-linked, 1. Last evaluated: 2024-11-25. Review status: criteria provided, single submitter. Criteria: ACMG Guidelines, 2015. Collection method: clinical testing. Allele origin: germline. Affected: yes.
Comment: The variant is not observed in the gnomAD v4.1.0 dataset. Predicted Consequence/Location: Missense variant In silico tool predictions suggest damaging effect of the variant on gene or gene product [REVEL: 0.92 (>=0.6, sensitivity 0.68 and specificity 0.92); 3Cnet: 0.94 (>=0.6, sensitivity 0.72 and precision 0.9)]. Different missense changes at the same codon (p.Arg246Cys, p.Arg246Leu) have been reported as pathogenic/likely pathogenic with strong evidence (ClinVar ID: VCV000011735, VCV000652477 /PMID: 10660327, 9326931 /3billion dataset). Therefore, this variant is classified as VUS according to the recommendation of ACMG/AMP guideline.

Juno Genomics, Hangzhou Juno Genomics, Inc
Classification: Uncertain significance for Alpha thalassemia-X-linked intellectual disability syndrome; Acquired hemoglobin H disease; Intellectual disability-hypotonic facies syndrome, X-linked, 1. Review status: criteria provided, single submitter. Criteria: ACMG Guidelines, 2015. Collection method: clinical testing. Allele origin: germline.
Comment: Absent from controls (or at extremely low frequency if recessive) in Genome Aggregation Database.;Multiple lines of computational evidence support a deleterious effect on the gene or gene product.;Located in a mutational hot spot and/or critical and well-established functional domain without benign variation.

Literature cited by the submitters: PubMed 10660327 (cited by 3billion).

NM_000489.6(ATRX):c.737G>A (p.Arg246His)

Gene: ATRX (ATRX chromatin remodeler; minus strand). Cytogenetic location: Xq21.1.
Variant type: single nucleotide variant.
Coding change: c.737G>A on transcript NM_000489.6 (MANE Select); coding-DNA position 737, G replaced by A.
Protein change: p.Arg246His; replaces arginine 246 with histidine.
Molecular consequence: missense variant.
Genome position (GRCh38, 1-based): chrX:77,684,519, C>T on the plus strand (G>A on the coding strand, the complement: ATRX is on the minus strand). VCF-style: chrX-77684519-C-T. GRCh37 (hg19) VCF-style: chrX-76940011-C-T.
Other names: c.623G>A, p.Arg208His (NM_138270.5); short protein forms R208H, R246H.
Identifiers: ClinVar variation 4293812 (VCV004293812.3).